The following is an entry in ClinVar:

NM_001366385.1(CARD14):c.345T>C (p.Phe115=)

Gene: CARD14 (caspase recruitment domain family member 14; plus strand). Cytogenetic location: 17q25.3.
Variant type: single nucleotide variant.
Coding change: c.345T>C on transcript NM_001366385.1 (MANE Select); coding-DNA position 345, T replaced by C.
Protein change: p.Phe115=; no amino-acid change (phenylalanine 115 retained).
Molecular consequence: synonymous variant. On other transcripts: non-coding transcript variant (1).
Genome position (GRCh38, 1-based): chr17:80,182,786, T>C. VCF-style: chr17-80182786-T-C. GRCh37 (hg19) VCF-style: chr17-78156585-T-C.
Other names: c.345T>C, p.Phe115= (NM_001257970.1, NM_024110.4).
Identifiers: ClinVar variation 1284936 (VCV001284936.35), dbSNP rs372257600, ClinGen allele CA8816394.

ClinVar aggregate classification (germline): Likely benign. Review status: criteria provided, multiple submitters, no conflicts (2 of 4 stars). 5 submissions from 5 submitters: Likely benign (3). 2 of the submissions do not count toward it. Last evaluated 2025-11-21.

Conditions:
Pityriasis rubra pilaris (PRP). Also called: Pityriasis rubra pilaris--familial type. Identifiers: Orphanet 2897, MedGen C0032027, MONDO:0100017, OMIM 173200, MONDO:0008251.
Psoriasis 2. Identifiers: MedGen C1864497, MONDO:0011269, OMIM 602723.

Allele frequency attached by ClinVar (database versions not stated): ExAC 0.00002; gnomAD exomes 0.00004 and 0.00006; TOPMed 0.00005; gnomAD 0.00007; ESP Exome Variant Server 0.00008.

Submissions (5):

Labcorp Genetics (formerly Invitae), Labcorp
Classification: Likely benign for Pityriasis rubra pilaris; Psoriasis 2. Last evaluated: 2025-11-21. Review status: criteria provided, single submitter. Criteria: Invitae Variant Classification Sherloc (09022015). Collection method: clinical testing. Allele origin: germline.

Blueprint Genetics
Classification: Likely benign. Last evaluated: 2024-06-19. Review status: criteria provided, single submitter. Criteria: ACMG Guidelines, 2015. Collection method: clinical testing. Allele origin: germline.

CeGaT Center for Human Genetics Tuebingen
Classification: Likely benign. Last evaluated: 2023-01-01. Review status: criteria provided, single submitter. Criteria: CeGaT Center For Human Genetics Tuebingen Variant Classification Criteria Version 2. Collection method: clinical testing. Allele origin: germline. Affected: yes. Observed: 1 variant allele.
Comment: CARD14: BP4, BP7

Clinical Genetics DNA and cytogenetics Diagnostics Lab, Erasmus MC, Erasmus Medical Center
Classification: Likely benign. Review status: no assertion criteria provided. Collection method: clinical testing. Allele origin: germline. Affected: yes. Study: VKGL Data-share Consensus. Not counted in ClinVar's aggregate classification.

Genome Diagnostics Laboratory, University Medical Center Utrecht
Classification: Likely benign. Review status: no assertion criteria provided. Collection method: clinical testing. Allele origin: germline. Affected: yes. Study: VKGL Data-share Consensus. Not counted in ClinVar's aggregate classification.